The following is an entry in ClinVar:

ClinVar aggregate classification (germline): Uncertain significance (1 of 4 stars; one submission).

Conditions:
Diffuse cerebral and cerebellar atrophy - intractable seizures - progressive microcephaly syndrome. Also called: Microcephaly, progressive, with seizures and cerebral and cerebellar atrophy. Identifiers: Orphanet 404437, MedGen C4014239, MONDO:0014335, OMIM 615760.

Allele frequency attached by ClinVar (database versions not stated): gnomAD 0.00001; gnomAD exomes 0.00001; TOPMed 0.00002.
gnomAD v4.1: 19 of 1,614,136 alleles (0.0012%); highest among the groups gnomAD compares: Non-Finnish European, 0.0016%; no homozygotes.

Submission:

Labcorp Genetics (formerly Invitae), Labcorp
Classification: Uncertain significance for Diffuse cerebral and cerebellar atrophy - intractable seizures - progressive microcephaly syndrome. Last evaluated: 2022-02-04. Review status: criteria provided, single submitter. Criteria: Invitae Variant Classification Sherloc (09022015). Collection method: clinical testing. Allele origin: germline.
Comment: Variants that disrupt the consensus splice site are a relatively common cause of aberrant splicing (PMID: 17576681, 9536098). Algorithms developed to predict the effect of sequence changes on RNA splicing suggest that this variant may disrupt the consensus splice site. In summary, the available evidence is currently insufficient to determine the role of this variant in disease. Therefore, it has been classified as a Variant of Uncertain Significance. Algorithms developed to predict the effect of missense changes on protein structure and function are either unavailable or do not agree on the potential impact of this missense change (SIFT: "Tolerated"; PolyPhen-2: "Probably Damaging"; Align-GVGD: "Class C0"). ClinVar contains an entry for this variant (Variation ID: 964006). This variant has not been reported in the literature in individuals affected with QARS-related conditions. This variant is present in population databases (rs201842141, gnomAD 0.002%). This sequence change replaces glutamic acid, which is acidic and polar, with aspartic acid, which is acidic and polar, at codon 388 of the QARS protein (p.Glu388Asp). This variant also falls at the last nucleotide of exon 13, which is part of the consensus splice site for this exon.

Literature cited by the submitters: PubMed 17576681; PubMed 9536098.

NM_005051.3(QARS1):c.1164G>T (p.Glu388Asp)

Gene: QARS1 (glutaminyl-tRNA synthetase 1; minus strand). Cytogenetic location: 3p21.31.
Variant type: single nucleotide variant.
Coding change: c.1164G>T on transcript NM_005051.3 (MANE Select); coding-DNA position 1164, G replaced by T.
Protein change: p.Glu388Asp; replaces glutamic acid 388 with aspartic acid.
Molecular consequence: missense variant. On other transcripts: non-coding transcript variant (1).
Genome position (GRCh38, 1-based): chr3:49,100,190, C>A on the plus strand (G>T on the coding strand, the complement: QARS1 is on the minus strand). VCF-style: chr3-49100190-C-A. GRCh37 (hg19) VCF-style: chr3-49137623-C-A.
Other names: c.1131G>T, p.Glu377Asp (NM_001272073.2); short protein forms E388D, E377D.
Identifiers: ClinVar variation 964006 (VCV000964006.5), dbSNP rs201842141, ClinGen allele CA74474565.